The following is an entry in ClinVar:

ClinVar aggregate classification (germline): Uncertain significance (1 of 4 stars; one submission).

Allele frequency attached by ClinVar (database versions not stated): gnomAD exomes below 0.00001 and 0.00001; ExAC 0.00001.
gnomAD v4.1: 4 of 1,613,902 alleles (0.00025%); highest among the groups gnomAD compares: East Asian, 0.0022%; no homozygotes.

Submission:

Labcorp Genetics (formerly Invitae), Labcorp
Classification: Uncertain significance. Last evaluated: 2023-05-23. Review status: criteria provided, single submitter. Criteria: Invitae Variant Classification Sherloc (09022015). Collection method: clinical testing. Allele origin: germline.
Comment: Experimental studies and prediction algorithms are not available or were not evaluated, and the functional significance of this variant is currently unknown. In summary, the available evidence is currently insufficient to determine the role of this variant in disease. Therefore, it has been classified as a Variant of Uncertain Significance. Algorithms developed to predict the effect of sequence changes on RNA splicing suggest that this variant is not likely to affect RNA splicing. ClinVar contains an entry for this variant (Variation ID: 1674801). This variant has not been reported in the literature in individuals affected with TCF3-related conditions. This variant is present in population databases (rs753925052, gnomAD 0.006%). This sequence change replaces arginine, which is basic and polar, with tryptophan, which is neutral and slightly polar, at codon 567 of the TCF3 protein (p.Arg567Trp). The TCF3 gene has multiple clinically relevant transcripts. This variant occurs in alternate transcript NM_001136139.3, and corresponds to NM_003200.4:c.1823-460C>T in the primary transcript.

NM_001136139.4(TCF3):c.1711C>T (p.Arg571Cys)

Gene: TCF3 (transcription factor 3; minus strand). Cytogenetic location: 19p13.3.
Variant type: single nucleotide variant.
Coding change: c.1711C>T on transcript NM_001136139.4 (MANE Plus Clinical); coding-DNA position 1711, C replaced by T.
Protein change: p.Arg571Cys; replaces arginine 571 with cysteine.
Molecular consequence: missense variant. On other transcripts: intron variant (2).
Genome position (GRCh38, 1-based): chr19:1,612,309, G>A on the plus strand (C>T on the coding strand, the complement: TCF3 is on the minus strand). VCF-style: chr19-1612309-G-A. GRCh37 (hg19) VCF-style: chr19-1612308-G-A.
Other names: c.1711C>T, p.Arg571Cys (NM_001351779.2); c.1820-460C>T (NM_001351778.2); c.1823-460C>T (NM_003200.5); short protein forms R571C.
Identifiers: ClinVar variation 1674801 (VCV001674801.8), dbSNP rs753925052, ClinGen allele CA9049577.